The following is an entry in ClinVar:

ClinVar aggregate classification (germline): Likely benign (1 of 4 stars; one submission).

Allele frequency attached by ClinVar (database versions not stated): 1000 Genomes Project 30x 0.00172; TOPMed 0.00289; ExAC 0.32353.

Submission:

CeGaT Center for Human Genetics Tuebingen
Classification: Likely benign. Last evaluated: 2024-05-01. Review status: criteria provided, single submitter. Criteria: CeGaT Center For Human Genetics Tuebingen Variant Classification Criteria Version 2. Collection method: clinical testing. Allele origin: germline. Affected: yes. Observed: 3 variant alleles.
Comment: NBPF11: BP4, BP7, BS2; NBPF24: BS2

NM_001385469.3(NBPF11):c.1983C>T (p.Tyr661=)

Gene: NBPF11 (NBPF member 11; minus strand). Cytogenetic location: 1q21.2.
Variant type: single nucleotide variant.
Coding change: c.1983C>T on transcript NM_001385469.3 (MANE Select); coding-DNA position 1983, C replaced by T.
Protein change: p.Tyr661=; no amino-acid change (tyrosine 661 retained).
Molecular consequence: synonymous variant. On other transcripts: non-coding transcript variant (4).
Genome position (GRCh38, 1-based): chr1:148,108,525, G>A on the plus strand (C>T on the coding strand, the complement: NBPF11 is on the minus strand). VCF-style: chr1-148108525-G-A. GRCh37 (hg19) VCF-style: chr1-147580810-G-A.
Other names: c.1983C>T, p.Tyr661= (NM_001101663.5, NM_001385468.3, NM_001385470.3 and 7 more transcripts); c.1758C>T, p.Tyr586= (NM_001385477.1, NM_001385478.1, NM_001385479.1 and 1 more transcripts).
Identifiers: ClinVar variation 2639126 (VCV002639126.23), dbSNP rs782460788, ClinGen allele CA1066365.